The following is an entry in ClinVar:

ClinVar aggregate classification (germline): Benign/Likely benign. Review status: criteria provided, multiple submitters, no conflicts (2 of 4 stars). 4 submissions from 4 submitters: Benign (1); Likely benign (3). Last evaluated 2025-12-31.

Conditions:
Hereditary cancer-predisposing syndrome. Also called: Neoplastic Syndromes, Hereditary; Tumor predisposition; Hereditary Cancer Syndrome; Hereditary neoplastic syndrome. Identifiers: Orphanet 140162, MedGen C0027672, MeSH D009386, MONDO:0015356.
Familial cancer of breast. Also called: BREAST CANCER, FAMILIAL; Hereditary breast cancer; hereditary breast carcinoma. Identifiers: Orphanet 227535, MedGen C0346153, MONDO:0016419, OMIM 114480. Disease mechanism: loss of function.

Allele frequency attached by ClinVar (database versions not stated): gnomAD exomes below 0.00001; ExAC 0.00001; gnomAD 0.00001; 1000 Genomes Project 30x 0.00016; 1000 Genomes Project 0.00020.
gnomAD v4.1: 1 of 1,614,018 alleles (0.000062%); highest among the groups gnomAD compares: East Asian, 0.0022%; no homozygotes.

Submissions (4):

Labcorp Genetics (formerly Invitae), Labcorp
Classification: Likely benign for Familial cancer of breast. Last evaluated: 2025-12-31. Review status: criteria provided, single submitter. Criteria: Invitae Variant Classification Sherloc (09022015). Collection method: clinical testing. Allele origin: germline.

Myriad Genetics, Inc.
Classification: Benign for Familial cancer of breast. Last evaluated: 2024-07-25. Review status: criteria provided, single submitter. Criteria: Myriad Autosomal Dominant, Autosomal Recessive and X-Linked Classification Criteria (2023). Collection method: clinical testing. Allele origin: unknown.
Comment: This variant is considered benign. This variant is a silent/synonymous amino acid change and it is not expected to impact splicing.

Ambry Genetics
Classification: Likely benign for Hereditary cancer-predisposing syndrome. Last evaluated: 2023-01-22. Review status: criteria provided, single submitter. Criteria: Ambry Variant Classification Scheme 2023. Collection method: clinical testing. Allele origin: germline.

Color Diagnostics, LLC DBA Color Health
Classification: Likely benign for Hereditary cancer-predisposing syndrome. Last evaluated: 2019-01-02. Review status: criteria provided, single submitter. Criteria: ACMG Guidelines, 2015. Collection method: clinical testing. Allele origin: germline.

NM_000465.4(BARD1):c.1431G>A (p.Val477=)

Gene: BARD1 (BRCA1 associated RING domain 1; minus strand). Cytogenetic location: 2q35.
Variant type: single nucleotide variant.
Coding change: c.1431G>A on transcript NM_000465.4 (MANE Select); coding-DNA position 1431, G replaced by A.
Protein change: p.Val477=; no amino-acid change (valine 477 retained).
Molecular consequence: synonymous variant. On other transcripts: non-coding transcript variant (3), intron variant (3).
Genome position (GRCh38, 1-based): chr2:214,767,619, C>T on the plus strand (G>A on the coding strand, the complement: BARD1 is on the minus strand). VCF-style: chr2-214767619-C-T. GRCh37 (hg19) VCF-style: chr2-215632343-C-T.
Other names: c.1374G>A, p.Val458= (NM_001282543.2); c.159-15064G>A (NM_001282548.2); c.216-15064G>A (NM_001282545.2); c.364+24678G>A (NM_001282549.2); c.1431G>A (NM_000465.2).
Identifiers: ClinVar variation 919709 (VCV000919709.13), dbSNP rs543974545, ClinGen allele CA2090254.
Genomic context (GRCh38, chr2:214,767,619, plus strand): 5'-TGGTGAGTCATTTTGATACCCGGTGGTGTTCACCAATGCCTTATGCTGGAGCAATAATTC[C>T]ACTACCTTCAGGTGCCCATGATTGCAAGCTTCATGCTAATTAAATTTTTTGAAAAAGAAG-3'
Protein context (NP_000456.2, residues 467-487): EACNHGHLKV[Val477=]ELLLQHKALV